The following is an entry in ClinVar:

NM_001042492.3(NF1):c.3417A>G (p.Ala1139=)

Gene: NF1 (neurofibromin 1; plus strand). Cytogenetic location: 17q11.2.
Variant type: single nucleotide variant.
Coding change: c.3417A>G on transcript NM_001042492.3 (MANE Select); coding-DNA position 3417, A replaced by G.
Protein change: p.Ala1139=; no amino-acid change (alanine 1139 retained).
Molecular consequence: synonymous variant.
Genome position (GRCh38, 1-based): chr17:31,232,802, A>G. VCF-style: chr17-31232802-A-G. GRCh37 (hg19) VCF-style: chr17-29559820-A-G.
Other names: c.3417A>G, p.Ala1139= (NM_000267.4).
Identifiers: ClinVar variation 230182 (VCV000230182.11), dbSNP rs864622524, ClinGen allele CA10580282.

ClinVar aggregate classification (germline): Benign/Likely benign. Review status: criteria provided, multiple submitters, no conflicts (2 of 4 stars). 4 submissions from 4 submitters: Benign (1); Likely benign (3). Last evaluated 2026-05-20.

Conditions:
Hereditary cancer-predisposing syndrome. Also called: Hereditary neoplastic syndrome; Neoplastic Syndromes, Hereditary; Hereditary Cancer Syndrome; Tumor predisposition. Identifiers: Orphanet 140162, MedGen C0027672, MeSH D009386, MONDO:0015356.
Neurofibromatosis, type 1 (NF1). Also called: NEUROFIBROMATOSIS, TYPE I, SOMATIC; Neurofibromatosis, type I; VON RECKLINGHAUSEN DISEASE; Peripheral type neurofibromatosis. Identifiers: Orphanet 636, MedGen C0027831, MONDO:0018975, OMIM 162200. Disease mechanism: loss of function.

Submissions (4):

Myriad Genetics, Inc.
Classification: Benign for Neurofibromatosis, type 1. Last evaluated: 2026-05-20. Review status: criteria provided, single submitter. Criteria: Myriad Autosomal Dominant, Autosomal Recessive and X-Linked Classification Criteria (2023). Collection method: clinical testing. Allele origin: unknown.
Comment: This variant is considered benign. This variant is a silent/synonymous amino acid change and it is not expected to impact splicing.

Labcorp Genetics (formerly Invitae), Labcorp
Classification: Likely benign for Neurofibromatosis, type 1. Last evaluated: 2025-04-29. Review status: criteria provided, single submitter. Criteria: Invitae Variant Classification Sherloc (09022015). Collection method: clinical testing. Allele origin: germline.

Genome-Nilou Lab
Classification: Likely benign for Neurofibromatosis, type 1. Last evaluated: 2022-03-15. Review status: criteria provided, single submitter. Criteria: ACMG Guidelines, 2015. Collection method: clinical testing. Allele origin: germline. Affected: no.

Ambry Genetics
Classification: Likely benign for Hereditary cancer-predisposing syndrome. Last evaluated: 2015-01-14. Review status: criteria provided, single submitter. Criteria: Ambry Autosomal Dominant and X-Linked criteria (10/2015). Collection method: clinical testing. Allele origin: germline. Observed: 1 variant allele.